The following is an entry in ClinVar:

NM_003640.5(ELP1):c.1127C>T (p.Thr376Met)

Gene: ELP1 (elongator acetyltransferase complex subunit 1; minus strand). Cytogenetic location: 9q31.3.
Variant type: single nucleotide variant.
Coding change: c.1127C>T on transcript NM_003640.5 (MANE Select); coding-DNA position 1127, C replaced by T.
Protein change: p.Thr376Met; replaces threonine 376 with methionine.
Molecular consequence: missense variant.
Genome position (GRCh38, 1-based): chr9:108,912,326, G>A on the plus strand (C>T on the coding strand, the complement: ELP1 is on the minus strand). VCF-style: chr9-108912326-G-A. GRCh37 (hg19) VCF-style: chr9-111674606-G-A.
Other names: c.785C>T, p.Thr262Met (NM_001318360.2); c.80C>T, p.Thr27Met (NM_001330749.2); c.1127C>T (NM_003640.4); short protein forms T27M, T376M, T262M.
Identifiers: ClinVar variation 854833 (VCV000854833.11), dbSNP rs376671881, ClinGen allele CA5175116.

ClinVar aggregate classification (germline): Uncertain significance. Review status: criteria provided, multiple submitters, no conflicts (2 of 4 stars). 5 submissions from 5 submitters: Uncertain significance (4). 1 of the submissions does not count toward it. Last evaluated 2025-06-24.

Conditions:
Medulloblastoma (MDB). Also called: MEDULLOBLASTOMA PREDISPOSITION SYNDROME; Medulloblastoma, somatic. Identifiers: Orphanet 616, MedGen C0025149, MeSH D008527, MONDO:0007959, OMIM 155255, HP:0002885.
Familial dysautonomia. Also called: HSAN III; FD. Identifiers: Orphanet 1764, MedGen C0013364, MONDO:0009131, OMIM 223900. Disease mechanism: loss of function.

Allele frequency attached by ClinVar (database versions not stated): gnomAD exomes 0.00001 and 0.00002; TOPMed 0.00002; gnomAD 0.00003; ExAC 0.00004; ESP Exome Variant Server 0.00008.
gnomAD v4.1: 18 of 1,613,978 alleles (0.0011%); highest among the groups gnomAD compares: African/African-American, 0.0053%; no homozygotes.

Submissions (5):

Ambry Genetics
Classification: Uncertain significance. Last evaluated: 2025-06-24. Review status: criteria provided, single submitter. Criteria: Ambry Variant Classification Scheme 2023. Collection method: clinical testing. Allele origin: germline.

St. Jude Molecular Pathology, St. Jude Children's Research Hospital
Classification: Uncertain significance for Medulloblastoma. Last evaluated: 2022-11-09. Review status: criteria provided, single submitter. Criteria: St. Jude Assertion Criteria 2020. Collection method: clinical testing. Allele origin: germline.
Comment: The ELP1 c.1127C>T (p.Thr376Met) missense change has a maximum subpopulation frequency of 0.0058% in gnomAD v2.1.1. The in silico tool REVEL predicts a benign effect on protein function, but to our knowledge this prediction has not been confirmed by functional studies. To our knowledge, this variant has not been reported in individuals with a personal or family history of medulloblastoma. In summary, the evidence currently available is insufficient to determine the clinical significance of this variant. It has therefore been classified as of uncertain significance.

Fulgent Genetics
Classification: Uncertain significance for Medulloblastoma; Familial dysautonomia. Last evaluated: 2022-05-14. Review status: criteria provided, single submitter. Criteria: ACMG Guidelines, 2015. Collection method: clinical testing. Allele origin: unknown.

Labcorp Genetics (formerly Invitae), Labcorp
Classification: Uncertain significance. Last evaluated: 2021-08-20. Review status: criteria provided, single submitter. Criteria: Invitae Variant Classification Sherloc (09022015). Collection method: clinical testing. Allele origin: germline.
Comment: This sequence change replaces threonine with methionine at codon 376 of the ELP1 protein (p.Thr376Met). The threonine residue is moderately conserved and there is a moderate physicochemical difference between threonine and methionine. This variant is present in population databases (rs376671881, ExAC 0.01%). This variant has not been reported in the literature in individuals affected with ELP1-related conditions. Algorithms developed to predict the effect of missense changes on protein structure and function are either unavailable or do not agree on the potential impact of this missense change (SIFT: "Deleterious"; PolyPhen-2: "Benign"; Align-GVGD: "Class C0"). In summary, the available evidence is currently insufficient to determine the role of this variant in disease. Therefore, it has been classified as a Variant of Uncertain Significance.

Natera, Inc.
Classification: Uncertain significance for Hereditary sensory and autonomic neuropathy type III. Last evaluated: 2020-01-24. Review status: no assertion criteria provided. Collection method: clinical testing. Allele origin: germline. Not counted in ClinVar's aggregate classification.